The following is an entry in ClinVar:

ClinVar aggregate classification (germline): Uncertain significance (1 of 4 stars; one submission).

Conditions:
Cardiovascular phenotype. Identifiers: MedGen CN230736.

Submission:

Ambry Genetics
Classification: Uncertain significance for Cardiovascular phenotype. Last evaluated: 2026-04-27. Review status: criteria provided, single submitter. Criteria: Ambry Variant Classification Scheme 2023. Collection method: clinical testing. Allele origin: germline.
Comment: The p.L162F variant (also known as c.486G>T), located in coding exon 5 of the ANKRD1 gene, results from a G to T substitution at nucleotide position 486. The leucine at codon 162 is replaced by phenylalanine, an amino acid with highly similar properties. This amino acid position is conserved. In addition, this alteration is predicted to be tolerated by in silico analysis. Based on the available evidence, the clinical significance of this variant remains unclear.

NM_014391.3(ANKRD1):c.486G>T (p.Leu162Phe)

Gene: ANKRD1 (ankyrin repeat domain 1; minus strand). Cytogenetic location: 10q23.31.
Variant type: single nucleotide variant.
Coding change: c.486G>T on transcript NM_014391.3 (MANE Select); coding-DNA position 486, G replaced by T.
Protein change: p.Leu162Phe; replaces leucine 162 with phenylalanine.
Molecular consequence: missense variant.
Genome position (GRCh38, 1-based): chr10:90,917,798, C>A on the plus strand (G>T on the coding strand, the complement: ANKRD1 is on the minus strand). VCF-style: chr10-90917798-C-A. GRCh37 (hg19) VCF-style: chr10-92677555-C-A.
Other names: short protein forms L162F.
Identifiers: ClinVar variation 4858541 (VCV004858541.1).